The following is an entry in ClinVar:

ClinVar aggregate classification (germline): Uncertain significance (1 of 4 stars; one submission).

Conditions:
Renal cell carcinoma. Identifiers: Orphanet 217071, MedGen C0007134, MeSH D002292, MONDO:0005086, HP:0005584.

Submission:

Labcorp Genetics (formerly Invitae), Labcorp
Classification: Uncertain significance for Renal cell carcinoma. Last evaluated: 2024-02-05. Review status: criteria provided, single submitter. Criteria: Invitae Variant Classification Sherloc (09022015). Collection method: clinical testing. Allele origin: germline.
Comment: This sequence change replaces aspartic acid, which is acidic and polar, with tyrosine, which is neutral and polar, at codon 1391 of the MET protein (p.Asp1391Tyr). This variant is not present in population databases (gnomAD no frequency). This variant has not been reported in the literature in individuals affected with MET-related conditions. An algorithm developed to predict the effect of missense changes on protein structure and function (PolyPhen-2) suggests that this variant is likely to be disruptive. In summary, the available evidence is currently insufficient to determine the role of this variant in disease. Therefore, it has been classified as a Variant of Uncertain Significance.

NM_000245.4(MET):c.4117G>T (p.Asp1373Tyr)

Gene: MET (MET proto-oncogene, receptor tyrosine kinase; plus strand). Cytogenetic location: 7q31.2.
Variant type: single nucleotide variant.
Coding change: c.4117G>T on transcript NM_000245.4 (MANE Select); coding-DNA position 4117, G replaced by T.
Protein change: p.Asp1373Tyr; replaces aspartic acid 1373 with tyrosine.
Molecular consequence: missense variant.
Genome position (GRCh38, 1-based): chr7:116,796,068, G>T. VCF-style: chr7-116796068-G-T. GRCh37 (hg19) VCF-style: chr7-116436122-G-T.
Other names: c.4171G>T, p.Asp1391Tyr (NM_001127500.3); c.2827G>T, p.Asp943Tyr (NM_001324402.2); short protein forms D1391Y, D1373Y, D943Y.
Identifiers: ClinVar variation 2698899 (VCV002698899.3), dbSNP rs398123570, ClinGen allele CA369118426.